The following is an entry in ClinVar:

ClinVar aggregate classification (germline): Uncertain significance (1 of 4 stars; one submission).

Allele frequency attached by ClinVar (database versions not stated): gnomAD exomes below 0.00001; gnomAD 0.00001; TOPMed 0.00001.
gnomAD v4.1: 3 of 1,613,908 alleles (0.00019%); highest among the groups gnomAD compares: Admixed American, 0.0033%; no homozygotes.

Submission:

Labcorp Genetics (formerly Invitae), Labcorp
Classification: Uncertain significance. Last evaluated: 2023-07-17. Review status: criteria provided, single submitter. Criteria: Invitae Variant Classification Sherloc (09022015). Collection method: clinical testing. Allele origin: germline.
Comment: An algorithm developed to predict the effect of missense changes on protein structure and function (PolyPhen-2) suggests that this variant is likely to be disruptive. This sequence change replaces leucine, which is neutral and non-polar, with phenylalanine, which is neutral and non-polar, at codon 1386 of the TUBGCP6 protein (p.Leu1386Phe). This variant is not present in population databases (gnomAD no frequency). This variant has not been reported in the literature in individuals affected with TUBGCP6-related conditions. ClinVar contains an entry for this variant (Variation ID: 1432491). In summary, the available evidence is currently insufficient to determine the role of this variant in disease. Therefore, it has been classified as a Variant of Uncertain Significance.

NM_020461.4(TUBGCP6):c.4156C>T (p.Leu1386Phe)

Gene: TUBGCP6 (tubulin gamma complex component 6; minus strand). Cytogenetic location: 22q13.33.
Variant type: single nucleotide variant.
Coding change: c.4156C>T on transcript NM_020461.4 (MANE Select); coding-DNA position 4156, C replaced by T.
Protein change: p.Leu1386Phe; replaces leucine 1386 with phenylalanine.
Molecular consequence: missense variant.
Genome position (GRCh38, 1-based): chr22:50,219,968, G>A on the plus strand (C>T on the coding strand, the complement: TUBGCP6 is on the minus strand). VCF-style: chr22-50219968-G-A. GRCh37 (hg19) VCF-style: chr22-50658397-G-A.
Other names: short protein forms L1386F.
Identifiers: ClinVar variation 1432491 (VCV001432491.4), dbSNP rs2064488202, ClinGen allele CA412176291.